The following is an entry in ClinVar:

NM_000400.4(ERCC2):c.91_105+26del

Gene: ERCC2 (ERCC excision repair 2, TFIIH core complex helicase subunit; minus strand). Cytogenetic location: 19q13.32.
Variant type: Deletion.
Coding change: c.91_105+26del on transcript NM_000400.4 (MANE Select); coding-DNA position 91 through 26 bases into the intron after coding-DNA position 105, 41 bases deleted.
Molecular consequence: splice donor variant.
Genome position (GRCh38, 1-based): chr19:45,370,107-45,370,147, 41 bases deleted; deleting any 41 consecutive bases within chr19:45,370,107-45,370,150 gives the same sequence; the c. name uses the placement nearest the transcript's 3' end. GRCh37 (hg19): chr19:45,873,368-45,873,408.
Other names: c.19_33+26del (NM_001130867.2).
Identifiers: ClinVar variation 2838239 (VCV002838239.3), dbSNP rs2514048150, ClinGen allele CA2739276898.

ClinVar aggregate classification (germline): Likely pathogenic (1 of 4 stars; one submission).

Submission:

Labcorp Genetics (formerly Invitae), Labcorp
Classification: Likely pathogenic. Last evaluated: 2023-02-16. Review status: criteria provided, single submitter. Criteria: Invitae Variant Classification Sherloc (09022015). Collection method: clinical testing. Allele origin: germline.
Comment: This variant is not present in population databases (gnomAD no frequency). In summary, the currently available evidence indicates that the variant is pathogenic, but additional data are needed to prove that conclusively. Therefore, this variant has been classified as Likely Pathogenic. Algorithms developed to predict the effect of sequence changes on RNA splicing suggest that this variant may disrupt the consensus splice site. This variant has not been reported in the literature in individuals affected with ERCC2-related conditions. This variant results in the deletion of part of exon 2 (c.91_105+26del) of the ERCC2 gene. It is expected to disrupt RNA splicing. Variants that disrupt the donor or acceptor splice site typically lead to a loss of protein function (PMID: 16199547), and loss-of-function variants in ERCC2 are known to be pathogenic (PMID: 9238033, 11335038, 19085937, 19934020).

Literature cited by the submitters: PubMed 16199547; PubMed 9238033; PubMed 11335038; PubMed 19085937; PubMed 19934020.